The following is an entry in ClinVar:

NM_005585.5(SMAD6):c.1403T>C (p.Phe468Ser)

Gene: SMAD6 (SMAD family member 6; plus strand). Cytogenetic location: 15q22.31.
Variant type: single nucleotide variant.
Coding change: c.1403T>C on transcript NM_005585.5 (MANE Select); coding-DNA position 1403, T replaced by C.
Protein change: p.Phe468Ser; replaces phenylalanine 468 with serine.
Molecular consequence: missense variant. On other transcripts: non-coding transcript variant (1).
Genome position (GRCh38, 1-based): chr15:66,781,447, T>C. VCF-style: chr15-66781447-T-C. GRCh37 (hg19) VCF-style: chr15-67073785-T-C.
Other names: short protein forms F468S.
Identifiers: ClinVar variation 1504880 (VCV001504880.6), dbSNP rs1182669434, ClinGen allele CA393202463.

ClinVar aggregate classification (germline): Uncertain significance (1 of 4 stars; one submission).

Conditions:
Aortic valve disease 2 (AOVD2). Identifiers: MedGen C3542024, MONDO:0013902, OMIM 614823.

Submission:

Labcorp Genetics (formerly Invitae), Labcorp
Classification: Uncertain significance for Aortic valve disease 2. Last evaluated: 2021-11-22. Review status: criteria provided, single submitter. Criteria: Invitae Variant Classification Sherloc (09022015). Collection method: clinical testing. Allele origin: germline.
Comment: This sequence change replaces phenylalanine, which is neutral and non-polar, with serine, which is neutral and polar, at codon 468 of the SMAD6 protein (p.Phe468Ser). This variant is not present in population databases (gnomAD no frequency). This variant has not been reported in the literature in individuals affected with SMAD6-related conditions. Algorithms developed to predict the effect of missense changes on protein structure and function (SIFT, PolyPhen-2, Align-GVGD) all suggest that this variant is likely to be disruptive. In summary, the available evidence is currently insufficient to determine the role of this variant in disease. Therefore, it has been classified as a Variant of Uncertain Significance.